The following is an entry in ClinVar:

ClinVar aggregate classification (germline): Uncertain significance (1 of 4 stars; one submission).

Submission:

GeneDx
Classification: Uncertain significance. Last evaluated: 2025-04-23. Review status: criteria provided, single submitter. Criteria: GeneDx Variant Classification Process June 2021. Collection method: clinical testing. Allele origin: germline. Affected: yes.
Comment: Not observed at significant frequency in large population cohorts (gnomAD); In silico analysis supports that this missense variant has a deleterious effect on protein structure/function; Has not been previously published as pathogenic or benign to our knowledge

NM_201599.3(ZMYM3):c.461C>A (p.Ser154Tyr)

Gene: ZMYM3 (zinc finger MYM-type containing 3; minus strand). Cytogenetic location: Xq13.1.
Variant type: single nucleotide variant.
Coding change: c.461C>A on transcript NM_201599.3 (MANE Select); coding-DNA position 461, C replaced by A.
Protein change: p.Ser154Tyr; replaces serine 154 with tyrosine.
Molecular consequence: missense variant.
Genome position (GRCh38, 1-based): chrX:71,252,795, G>T on the plus strand (C>A on the coding strand, the complement: ZMYM3 is on the minus strand). VCF-style: chrX-71252795-G-T. GRCh37 (hg19) VCF-style: chrX-70472645-G-T.
Other names: c.461C>A, p.Ser154Tyr (NM_001171162.1, NM_001171163.1, NM_005096.3); short protein forms S154Y.
Identifiers: ClinVar variation 4527555 (VCV004527555.1).